The following is an entry in ClinVar:

NM_000051.4(ATM):c.6808-242_7516-275del

Genes: ATM (ATM serine/threonine kinase; plus strand), C11orf65 (chromosome 11 open reading frame 65; minus strand). Cytogenetic location: 11q22.3.
Variant type: Deletion.
Coding change: c.6808-242_7516-275del on transcript NM_000051.4 (MANE Select); 242 bases into the intron before coding-DNA position 6808 through 275 bases into the intron before coding-DNA position 7516, 5,354 bases deleted.
Molecular consequence: splice acceptor variant, splice donor variant. On other transcripts: intron variant (2).
Genome position (GRCh38, 1-based): chr11:108,325,816-108,331,169, 5,354 bases deleted. GRCh37 (hg19): chr11:108,196,543-108,201,896.
Other names: c.641-22098_641-16745del (NM_001330368.2); c.6808-242_7516-275del (NM_001351834.2); c.*38+4051_*38+9404del (NM_001351110.2).
Identifiers: ClinVar variation 633054 (VCV000633054.3), ClinGen allele CA913189714.

ClinVar aggregate classification (germline): Pathogenic (1 of 4 stars; one submission).

Conditions:
Ataxia-telangiectasia syndrome (AT). Also called: Ataxia-telangiectasia, complementation group D; AT, COMPLEMENTATION GROUP C; ATAXIA-TELANGIECTASIA, COMPLEMENTATION GROUP A; ATAXIA-TELANGIECTASIA, FRESNO VARIANT; Ataxia-telangiectasia; LOUIS-BAR SYNDROME. Identifiers: Orphanet 100, MedGen C0004135, MONDO:0008840, OMIM 208900.

Submission:

Women's Health and Genetics/Laboratory Corporation of America, LabCorp
Classification: Pathogenic for Ataxia-telangiectasia syndrome. Last evaluated: 2017-09-28. Review status: criteria provided, single submitter. Criteria: LabCorp Variant Classification Summary - May 2015. Collection method: clinical testing. Allele origin: germline.
Comment: Variant summary: The c.6808-242_7516-275del variant involves a 5,350 bp deletion of exons 49-52 in the ATM gene. The frequency of this variant in the general population could not be determined as the technology used for large population databases (ExAC, ESP, 1000G) cannot detect duplications this large. The variant of interest has been reported in two A-T siblings in the literature and was associated with aberrant splicing (Nakamura 2012). Taken together, this variant has been classified as pathogenic.

Literature cited by the submitters: PubMed 22006793.